The following is an entry in ClinVar:

ClinVar aggregate classification (germline): Uncertain significance. Review status: criteria provided, multiple submitters, no conflicts (2 of 4 stars). 2 submissions from 2 submitters: Uncertain significance (2). Last evaluated 2025-09-10.

Conditions:
Inborn genetic diseases. Identifiers: MedGen C0950123, MeSH D030342.

gnomAD v4.1: 10 of 1,614,048 alleles (0.00062%); highest among the groups gnomAD compares: Admixed American, 0.01%; no homozygotes.

Submissions (2):

Ambry Genetics
Classification: Uncertain significance for Inborn genetic diseases. Last evaluated: 2025-09-10. Review status: criteria provided, single submitter. Criteria: Ambry Variant Classification Scheme 2023. Collection method: clinical testing. Allele origin: germline.

Labcorp Genetics (formerly Invitae), Labcorp
Classification: Uncertain significance. Last evaluated: 2024-11-23. Review status: criteria provided, single submitter. Criteria: Invitae Variant Classification Sherloc (09022015). Collection method: clinical testing. Allele origin: germline.
Comment: This sequence change replaces isoleucine, which is neutral and non-polar, with asparagine, which is neutral and polar, at codon 120 of the STN1 protein (p.Ile120Asn). This variant is present in population databases (rs775287540, gnomAD 0.006%). This variant has not been reported in the literature in individuals affected with STN1-related conditions. ClinVar contains an entry for this variant (Variation ID: 1441957). Invitae Evidence Modeling of protein sequence and biophysical properties (such as structural, functional, and spatial information, amino acid conservation, physicochemical variation, residue mobility, and thermodynamic stability) has been performed for this missense variant. However, the output from this modeling did not meet the statistical confidence thresholds required to predict the impact of this variant on STN1 protein function. In summary, the available evidence is currently insufficient to determine the role of this variant in disease. Therefore, it has been classified as a Variant of Uncertain Significance.

NM_024928.5(STN1):c.359T>A (p.Ile120Asn)

Gene: STN1 (STN1 subunit of CST complex; minus strand). Cytogenetic location: 10q24.33.
Variant type: single nucleotide variant.
Coding change: c.359T>A on transcript NM_024928.5 (MANE Select); coding-DNA position 359, T replaced by A.
Protein change: p.Ile120Asn; replaces isoleucine 120 with asparagine.
Molecular consequence: missense variant.
Genome position (GRCh38, 1-based): chr10:103,900,160, A>T on the plus strand (T>A on the coding strand, the complement: STN1 is on the minus strand). VCF-style: chr10-103900160-A-T. GRCh37 (hg19) VCF-style: chr10-105659918-A-T.
Other names: c.359T>A (NM_024928.4); short protein forms I120N.
Identifiers: ClinVar variation 1441957 (VCV001441957.7), dbSNP rs775287540, ClinGen allele CA5676636.